The following is an entry in ClinVar:

ClinVar aggregate classification (germline): Uncertain significance. Review status: criteria provided, multiple submitters, no conflicts (2 of 4 stars). 2 submissions from 2 submitters: Uncertain significance (2). Last evaluated 2025-07-09.

Conditions:
Hereditary cancer-predisposing syndrome. Also called: Neoplastic Syndromes, Hereditary; Tumor predisposition; Hereditary Cancer Syndrome; Hereditary neoplastic syndrome. Identifiers: Orphanet 140162, MedGen C0027672, MeSH D009386, MONDO:0015356.
DICER1-related tumor predisposition. Also called: DICER1-related pleuropulmonary blastoma cancer predisposition syndrome; DICER1 syndrome. Identifiers: Orphanet 284343, MedGen C3839822, MONDO:0100216.

Submissions (2):

Labcorp Genetics (formerly Invitae), Labcorp
Classification: Uncertain significance for DICER1-related tumor predisposition. Last evaluated: 2025-07-09. Review status: criteria provided, single submitter. Criteria: Invitae Variant Classification Sherloc (09022015). Collection method: clinical testing. Allele origin: germline.
Comment: This sequence change replaces glycine, which is neutral and non-polar, with serine, which is neutral and polar, at codon 622 of the DICER1 protein (p.Gly622Ser). This variant is not present in population databases (gnomAD no frequency). This variant has not been reported in the literature in individuals affected with DICER1-related conditions. ClinVar contains an entry for this variant (Variation ID: 543618). Invitae Evidence Modeling of protein sequence and biophysical properties (such as structural, functional, and spatial information, amino acid conservation, physicochemical variation, residue mobility, and thermodynamic stability) indicates that this missense variant is not expected to disrupt DICER1 protein function with a negative predictive value of 95%. In summary, the available evidence is currently insufficient to determine the role of this variant in disease. Therefore, it has been classified as a Variant of Uncertain Significance.

Sema4
Classification: Uncertain significance for Hereditary cancer-predisposing syndrome. Last evaluated: 2022-01-18. Review status: criteria provided, single submitter. Criteria: Sema4 Curation Guidelines. Collection method: curation. Allele origin: germline.
Comment: The DICER1 c.1864G>A (p.G622S) variant has not been reported in the literature to our knowledge. It was not observed in the large and broad cohorts of the Genome Aggregation Database. The variant has been reported in ClinVar (Variation ID 543618). In silico tools suggest the impact of the variant on protein function is benign, though these predictions have not been confirmed by functional studies. The evidence is insufficient to meet ACMG/AMP criteria for classifying the variant as benign or pathogenic. Thus, the clinical significance of this variant is currently uncertain.

NM_177438.3(DICER1):c.1864G>A (p.Gly622Ser)

Gene: DICER1 (dicer 1, ribonuclease III; minus strand). Cytogenetic location: 14q32.13.
Variant type: single nucleotide variant.
Coding change: c.1864G>A on transcript NM_177438.3 (MANE Select); coding-DNA position 1864, G replaced by A.
Protein change: p.Gly622Ser; replaces glycine 622 with serine.
Molecular consequence: missense variant.
Genome position (GRCh38, 1-based): chr14:95,115,710, C>T on the plus strand (G>A on the coding strand, the complement: DICER1 is on the minus strand). VCF-style: chr14-95115710-C-T. GRCh37 (hg19) VCF-style: chr14-95582047-C-T.
Other names: c.1864G>A, p.Gly622Ser (NM_001195573.1, NM_001271282.3, NM_001291628.2 and 1 more transcripts); short protein forms G622S.
Identifiers: ClinVar variation 543618 (VCV000543618.10), dbSNP rs1555372556, ClinGen allele CA390883963.